The following is an entry in ClinVar:

ClinVar aggregate classification (germline): Uncertain significance (1 of 4 stars; one submission).

Allele frequency attached by ClinVar (database versions not stated): gnomAD exomes 0.00002.
gnomAD v4.1: 22 of 1,614,160 alleles (0.0014%); highest among the groups gnomAD compares: Non-Finnish European, 0.0019%; no homozygotes.

Submission:

Labcorp Genetics (formerly Invitae), Labcorp
Classification: Uncertain significance. Last evaluated: 2022-06-24. Review status: criteria provided, single submitter. Criteria: Invitae Variant Classification Sherloc (09022015). Collection method: clinical testing. Allele origin: germline.
Comment: This sequence change replaces glutamine, which is neutral and polar, with lysine, which is basic and polar, at codon 1764 of the LTBP2 protein (p.Gln1764Lys). This variant is present in population databases (no rsID available, gnomAD 0.0009%). This variant has not been reported in the literature in individuals affected with LTBP2-related conditions. Algorithms developed to predict the effect of missense changes on protein structure and function (SIFT, PolyPhen-2, Align-GVGD) all suggest that this variant is likely to be disruptive. In summary, the available evidence is currently insufficient to determine the role of this variant in disease. Therefore, it has been classified as a Variant of Uncertain Significance.

NM_000428.3(LTBP2):c.5290C>A (p.Gln1764Lys)

Gene: LTBP2 (latent transforming growth factor beta binding protein 2; minus strand). Cytogenetic location: 14q24.3.
Variant type: single nucleotide variant.
Coding change: c.5290C>A on transcript NM_000428.3 (MANE Select); coding-DNA position 5290, C replaced by A.
Protein change: p.Gln1764Lys; replaces glutamine 1764 with lysine.
Molecular consequence: missense variant.
Genome position (GRCh38, 1-based): chr14:74,501,471, G>T on the plus strand (C>A on the coding strand, the complement: LTBP2 is on the minus strand). VCF-style: chr14-74501471-G-T. GRCh37 (hg19) VCF-style: chr14-74968174-G-T.
Other names: short protein forms Q1764K.
Identifiers: ClinVar variation 2115737 (VCV002115737.1), dbSNP rs1416763184, ClinGen allele CA390382241.